The following is an entry in ClinVar:

ClinVar aggregate classification (germline): Pathogenic (1 of 4 stars; one submission).

Conditions:
Fanconi anemia complementation group O. Also called: RAD51C-Related Fanconi Anemia. Identifiers: Orphanet 84, MedGen C3150653, MONDO:0013248, OMIM 613390.

Submission:

Labcorp Genetics (formerly Invitae), Labcorp
Classification: Pathogenic for Fanconi anemia, complementation group O. Last evaluated: 2018-03-28. Review status: criteria provided, single submitter. Criteria: Invitae Variant Classification Sherloc (09022015). Collection method: clinical testing. Allele origin: germline.
Comment: This variant is an out-of-frame deletion of the genomic region encompassing exon 3 of the RAD51C gene. This is expected to create a premature translational stop signal and result in an absent or disrupted protein product. This variant has not been reported in the literature in individuals with RAD51C-related disease. Loss-of-function variants in RAD51C are known to be pathogenic (PMID: 20400964, 21990120, 24800917). For these reasons, this variant has been classified as Pathogenic.

NC_000017.11:g.(?_58696687)_(58696865_?)del

Gene: RAD51C (RAD51 paralog C; plus strand). Cytogenetic location: 17q22.
Variant type: Deletion.
Identifiers: ClinVar variation 583964 (VCV000583964.1).